The following is an entry in ClinVar:

ClinVar aggregate classification (germline): Uncertain significance (1 of 4 stars; one submission).

Conditions:
Cardiovascular phenotype. Identifiers: MedGen CN230736.

Allele frequency attached by ClinVar (database versions not stated): gnomAD 0.00001.
gnomAD v4.1: 4 of 1,492,066 alleles (0.00027%); highest among the groups gnomAD compares: African/African-American, 0.0015%; no homozygotes.

Submission:

Ambry Genetics
Classification: Uncertain significance for Cardiovascular phenotype. Last evaluated: 2022-05-24. Review status: criteria provided, single submitter. Criteria: Ambry Variant Classification Scheme 2023. Collection method: clinical testing. Allele origin: germline.
Comment: The p.G26R variant (also known as c.76G>C), located in coding exon 1 of the GATAD1 gene, results from a G to C substitution at nucleotide position 76. The glycine at codon 26 is replaced by arginine, an amino acid with dissimilar properties. This amino acid position is conserved. In addition, this alteration is predicted to be deleterious by in silico analysis. Since supporting evidence is limited at this time, the clinical significance of this alteration remains unclear.

NM_021167.5(GATAD1):c.76G>C (p.Gly26Arg)

Genes: GATAD1 (GATA zinc finger domain containing 1; plus strand), LOC129998793 (ATAC-STARR-seq lymphoblastoid silent region 18371; plus strand). Cytogenetic location: 7q21.2.
Variant type: single nucleotide variant.
Coding change: c.76G>C on transcript NM_021167.5 (MANE Select); coding-DNA position 76, G replaced by C.
Protein change: p.Gly26Arg; replaces glycine 26 with arginine.
Molecular consequence: missense variant. On other transcripts: non-coding transcript variant (1).
Genome position (GRCh38, 1-based): chr7:92,447,805, G>C. VCF-style: chr7-92447805-G-C. GRCh37 (hg19) VCF-style: chr7-92077119-G-C.
Other names: short protein forms G26R.
Identifiers: ClinVar variation 1760216 (VCV001760216.2), dbSNP rs970308260, ClinGen allele CA161960696.